The following is an entry in ClinVar:

ClinVar aggregate classification (germline): Uncertain significance (1 of 4 stars; one submission).

Submission:

GeneDx
Classification: Uncertain significance. Last evaluated: 2025-03-30. Review status: criteria provided, single submitter. Criteria: GeneDx Variant Classification Process June 2021. Collection method: clinical testing. Allele origin: germline. Affected: yes.
Comment: Not observed at significant frequency in large population cohorts (gnomAD); In silico analysis supports that this missense variant has a deleterious effect on protein structure/function; Has not been previously published as pathogenic or benign to our knowledge

NM_001613.4(ACTA2):c.655T>A (p.Cys219Ser)

Genes: ACTA2 (actin alpha 2, smooth muscle; minus strand), ACTA2-AS1 (ACTA2 antisense RNA 1; plus strand). Cytogenetic location: 10q23.31.
Variant type: single nucleotide variant.
Coding change: c.655T>A on transcript NM_001613.4 (MANE Select); coding-DNA position 655, T replaced by A.
Protein change: p.Cys219Ser; replaces cysteine 219 with serine.
Molecular consequence: missense variant. On other transcripts: non-coding transcript variant (1), intron variant (1).
Genome position (GRCh38, 1-based): chr10:88,939,660, A>T on the plus strand (T>A on the coding strand, the complement: ACTA2 is on the minus strand). VCF-style: chr10-88939660-A-T. GRCh37 (hg19) VCF-style: chr10-90699417-A-T.
Other names: c.655T>A, p.Cys219Ser (NM_001141945.3, NM_001320855.2, NM_001406462.1 and 2 more transcripts); c.544T>A, p.Cys182Ser (NM_001406466.1); c.526T>A, p.Cys176Ser (NM_001406467.1, NM_001406468.1, NM_001406469.1); c.617-1418T>A (NM_001406471.1); short protein forms C176S, C182S, C219S.
Identifiers: ClinVar variation 4278836 (VCV004278836.1).